The following is an entry in ClinVar:

ClinVar aggregate classification (germline): Uncertain significance. Review status: criteria provided, multiple submitters, no conflicts (2 of 4 stars). 2 submissions from 2 submitters: Uncertain significance (2). Last evaluated 2025-02-19.

Conditions:
Left-right axis malformations. Identifiers: MedGen C1866091.

Allele frequency attached by ClinVar (database versions not stated): ExAC 0.00001; TOPMed 0.00002; gnomAD 0.00003.
gnomAD v4.1: 38 of 1,613,534 alleles (0.0024%); highest among the groups gnomAD compares: South Asian, 0.0077%; no homozygotes.

Submissions (2):

Ambry Genetics
Classification: Uncertain significance. Last evaluated: 2025-02-19. Review status: criteria provided, single submitter. Criteria: Ambry Variant Classification Scheme 2023. Collection method: clinical testing. Allele origin: germline.

Labcorp Genetics (formerly Invitae), Labcorp
Classification: Uncertain significance for Left-right axis malformations. Last evaluated: 2021-11-27. Review status: criteria provided, single submitter. Criteria: Invitae Variant Classification Sherloc (09022015). Collection method: clinical testing. Allele origin: germline.
Comment: In summary, the available evidence is currently insufficient to determine the role of this variant in disease. Therefore, it has been classified as a Variant of Uncertain Significance. Algorithms developed to predict the effect of missense changes on protein structure and function output the following: SIFT: "Tolerated"; PolyPhen-2: "Benign"; Align-GVGD: "Class C0". The histidine amino acid residue is found in multiple mammalian species, which suggests that this missense change does not adversely affect protein function. This variant has not been reported in the literature in individuals affected with LEFTY2-related conditions. This variant is present in population databases (rs757490152, gnomAD 0.003%). This sequence change replaces arginine, which is basic and polar, with histidine, which is basic and polar, at codon 67 of the LEFTY2 protein (p.Arg67His).

NM_003240.5(LEFTY2):c.200G>A (p.Arg67His)

Gene: LEFTY2 (left-right determination factor 2; minus strand). Cytogenetic location: 1q42.12.
Variant type: single nucleotide variant.
Coding change: c.200G>A on transcript NM_003240.5 (MANE Select); coding-DNA position 200, G replaced by A.
Protein change: p.Arg67His; replaces arginine 67 with histidine.
Molecular consequence: missense variant.
Genome position (GRCh38, 1-based): chr1:225,940,941, C>T on the plus strand (G>A on the coding strand, the complement: LEFTY2 is on the minus strand). VCF-style: chr1-225940941-C-T. GRCh37 (hg19) VCF-style: chr1-226128641-C-T.
Other names: c.200G>A, p.Arg67His (NM_001172425.3); c.200G>A (NM_003240.3); short protein forms R67H.
Identifiers: ClinVar variation 1361607 (VCV001361607.7), dbSNP rs757490152, ClinGen allele CA1420674.